The following is an entry in ClinVar:

NM_000256.3(MYBPC3):c.1624+19del

Gene: MYBPC3 (myosin binding protein C3; minus strand). Cytogenetic location: 11p11.2.
Variant type: Deletion.
Coding change: c.1624+19del on transcript NM_000256.3 (MANE Select); 19 bases into the intron after coding-DNA position 1624, one base deleted (G; older notation c.1624+19delG).
Molecular consequence: intron variant.
Genome position (GRCh38, 1-based): chr11:47,342,559, C deleted on the plus strand (G on the coding strand, the reverse complement: MYBPC3 is on the minus strand); the first of 7 consecutive C bases (chr11:47,342,559-47,342,565); deleting any one gives the same sequence. VCF-style (leftmost placement, unchanged base first): chr11-47342558-GC-G. GRCh37 (hg19) VCF-style: chr11-47364109-GC-G.
Other names: c.1624+19delG (NM_000256.3); c.1624+19del (LRG_386t1).
Identifiers: ClinVar variation 418354 (VCV000418354.7), dbSNP rs750990030, ClinGen allele CA046104.

ClinVar aggregate classification (germline): Benign/Likely benign. Review status: criteria provided, multiple submitters, no conflicts (2 of 4 stars). 4 submissions from 4 submitters: Benign (3); Likely benign (1). Last evaluated 2025-08-30.

Conditions:
Hypertrophic cardiomyopathy. Also called: HYPERTROPHIC MYOCARDIOPATHY. Identifiers: Orphanet 217569, MedGen C0007194, MeSH D002312, MONDO:0005045, HP:0001639.

Submissions (4):

Labcorp Genetics (formerly Invitae), Labcorp
Classification: Benign for Hypertrophic cardiomyopathy. Last evaluated: 2025-08-30. Review status: criteria provided, single submitter. Criteria: Invitae Variant Classification Sherloc (09022015). Collection method: clinical testing. Allele origin: germline.

Women's Health and Genetics/Laboratory Corporation of America, LabCorp
Classification: Benign. Last evaluated: 2024-12-23. Review status: criteria provided, single submitter. Criteria: LabCorp Variant Classification Summary - May 2015. Collection method: clinical testing. Allele origin: germline.
Comment: Variant summary: MYBPC3 c.1624+19delG alters a nucleotide located at a position not widely known to affect splicing. Consensus agreement among computation tools predict no significant impact on normal splicing. However, these predictions have yet to be confirmed by functional studies. The frequency data for this variant in gnomAD is considered unreliable, as metrics indicate poor data quality at this position. To our knowledge, no occurrence of c.1624+19delG in individuals affected with Hypertrophic Cardiomyopathy and no experimental evidence demonstrating its impact on protein function have been reported. ClinVar contains an entry for this variant (Variation ID: 418354). Based on the evidence outlined above, the variant was classified as benign.

Blueprint Genetics
Classification: Likely benign. Last evaluated: 2019-11-19. Review status: criteria provided, single submitter. Criteria: ACMG Guidelines, 2015. Collection method: clinical testing. Allele origin: germline.

GeneDx
Classification: Benign. Last evaluated: 2015-08-04. Review status: criteria provided, single submitter. Criteria: GeneDx Variant Classification (06012015). Collection method: clinical testing. Allele origin: germline. Affected: yes.
Comment: This variant is considered likely benign or benign based on one or more of the following criteria: it is a conservative change, it occurs at a poorly conserved position in the protein, it is predicted to be benign by multiple in silico algorithms, and/or has population frequency not consistent with disease.